The following is an entry in ClinVar:

NM_001080467.3(MYO5B):c.27+3G>A

Gene: MYO5B (myosin VB; minus strand). Cytogenetic location: 18q21.1.
Variant type: single nucleotide variant.
Coding change: c.27+3G>A on transcript NM_001080467.3 (MANE Select); 3 bases into the intron after coding-DNA position 27, G replaced by A.
Molecular consequence: intron variant.
Genome position (GRCh38, 1-based): chr18:50,194,764, C>T on the plus strand (G>A on the coding strand, the complement: MYO5B is on the minus strand). VCF-style: chr18-50194764-C-T. GRCh37 (hg19) VCF-style: chr18-47721134-C-T.
Identifiers: ClinVar variation 3031031 (VCV003031031.2), dbSNP rs909568277, ClinGen allele CA300006550.

ClinVar aggregate classification (germline): Likely benign (0 of 4 stars; one submission).

Conditions:
MYO5B-related disorder. Also called: MYO5B-related condition.

Allele frequency attached by ClinVar (database versions not stated): gnomAD exomes 0.00001; gnomAD 0.00007; TOPMed 0.00008.
gnomAD v4.1: 19 of 1,481,376 alleles (0.0013%); highest among the groups gnomAD compares: African/African-American, 0.026%; no homozygotes.

Submission:

PreventionGenetics, part of Exact Sciences
Classification: Likely benign for MYO5B-related condition. Last evaluated: 2021-03-24. Review status: no assertion criteria provided. Collection method: clinical testing. Allele origin: germline.
Comment: This variant is classified as likely benign based on ACMG/AMP sequence variant interpretation guidelines (Richards et al. 2015 PMID: 25741868, with internal and published modifications).